The following is an entry in ClinVar:

NM_201596.3(CACNB2):c.558T>A (p.His186Gln)

Gene: CACNB2 (calcium voltage-gated channel auxiliary subunit beta 2; plus strand). Cytogenetic location: 10p12.31.
Variant type: single nucleotide variant.
Coding change: c.558T>A on transcript NM_201596.3 (MANE Select); coding-DNA position 558, T replaced by A.
Protein change: p.His186Gln; replaces histidine 186 with glutamine.
Molecular consequence: missense variant.
Genome position (GRCh38, 1-based): chr10:18,500,913, T>A. VCF-style: chr10-18500913-T-A. GRCh37 (hg19) VCF-style: chr10-18789842-T-A.
Other names: c.393T>A, p.His131Gln (NM_000724.4, NM_001330060.2); c.474T>A, p.His158Gln (NM_001167945.2, NM_201571.4, NM_201572.4); c.414T>A, p.His138Gln (NM_001410882.1, NM_201570.3); c.396T>A, p.His132Gln (NM_201590.3); c.558T>A, p.His186Gln (NM_201593.3, NM_201597.3); short protein forms H131Q, H158Q, H132Q, H138Q, H186Q.
Identifiers: ClinVar variation 4769956 (VCV004769956.1).

ClinVar aggregate classification (germline): Uncertain significance (1 of 4 stars; one submission).

Conditions:
Brugada syndrome 4 (BRGDA4). Identifiers: Orphanet 130, MedGen C2678477, MONDO:0012743, OMIM 611876.

Submission:

Labcorp Genetics (formerly Invitae), Labcorp
Classification: Uncertain significance for Brugada syndrome 4. Last evaluated: 2025-08-17. Review status: criteria provided, single submitter. Criteria: Invitae Variant Classification Sherloc (09022015). Collection method: clinical testing. Allele origin: germline.
Comment: This sequence change replaces histidine, which is basic and polar, with glutamine, which is neutral and polar, at codon 132 of the CACNB2 protein (p.His132Gln). This variant is not present in population databases (gnomAD no frequency). This variant has not been reported in the literature in individuals affected with CACNB2-related conditions. Invitae Evidence Modeling of protein sequence and biophysical properties (such as structural, functional, and spatial information, amino acid conservation, physicochemical variation, residue mobility, and thermodynamic stability) indicates that this missense variant is not expected to disrupt CACNB2 protein function with a negative predictive value of 80%. In summary, the available evidence is currently insufficient to determine the role of this variant in disease. Therefore, it has been classified as a Variant of Uncertain Significance.